The following is an entry in ClinVar:

NM_006030.4(CACNA2D2):c.235dup (p.Gln79fs)

Gene: CACNA2D2 (calcium voltage-gated channel auxiliary subunit alpha2delta 2; minus strand). Cytogenetic location: 3p21.31.
Variant type: Duplication.
Coding change: c.235dup on transcript NM_006030.4 (MANE Select); coding-DNA position 235, one base duplicated (C; older notation c.235dupC).
Protein change: p.Gln79fs; shifts the reading frame from glutamine 79.
Molecular consequence: frameshift variant.
Genome position (GRCh38, 1-based): chr3:50,476,171, G duplicated on the plus strand (C on the coding strand, the reverse complement: CACNA2D2 is on the minus strand). VCF-style (leftmost placement, unchanged base first): chr3-50476170-T-TG. GRCh37 (hg19) VCF-style: chr3-50513601-T-TG.
Other names: c.235dup, p.Gln79fs (NM_001005505.3, NM_001174051.3); c.28dup, p.Gln10fs (NM_001291101.1); short protein forms Q10fs, Q79fs.
Identifiers: ClinVar variation 1074184 (VCV001074184.4), dbSNP rs2107090466, ClinGen allele CA2499216930.

ClinVar aggregate classification (germline): Pathogenic (1 of 4 stars; one submission).

Conditions:
Early-infantile DEE. Also called: Ohtahara syndrome; Early infantile epileptic encephalopathy with suppression bursts; Early infantile epileptic encephalopathy. Identifiers: Orphanet 1934, MedGen C0393706, MONDO:0800491.

Submission:

Labcorp Genetics (formerly Invitae), Labcorp
Classification: Pathogenic for Early-infantile DEE. Last evaluated: 2023-04-04. Review status: criteria provided, single submitter. Criteria: Invitae Variant Classification Sherloc (09022015). Collection method: clinical testing. Allele origin: germline.
Comment: For these reasons, this variant has been classified as Pathogenic. This sequence change creates a premature translational stop signal (p.Gln79Profs*18) in the CACNA2D2 gene. It is expected to result in an absent or disrupted protein product. Loss-of-function variants in CACNA2D2 are known to be pathogenic (PMID: 24358150). This variant is not present in population databases (gnomAD no frequency). This variant has not been reported in the literature in individuals affected with CACNA2D2-related conditions. ClinVar contains an entry for this variant (Variation ID: 1074184).

Literature cited by the submitters: PubMed 24358150.